The following is an entry in ClinVar:

ClinVar aggregate classification (germline): Benign. Review status: criteria provided, multiple submitters, no conflicts (2 of 4 stars). 4 submissions from 4 submitters: Benign (4). Last evaluated 2026-02-01.

Conditions:
FZD2-related disorder. Also called: FZD2-related condition.

Allele frequency attached by ClinVar (database versions not stated): gnomAD exomes 0.00176 and 0.00486; ExAC 0.00624; gnomAD 0.01780 and 0.01906; ESP Exome Variant Server 0.02030; 1000 Genomes Project 0.02077; TOPMed 0.02118; 1000 Genomes Project 30x 0.02295.
gnomAD v4.1: 5,409 of 1,612,388 alleles (0.34%); highest among the groups gnomAD compares: African/African-American, 6.4%; 156 homozygotes.

Submissions (4):

Labcorp Genetics (formerly Invitae), Labcorp
Classification: Benign. Last evaluated: 2026-02-01. Review status: criteria provided, single submitter. Criteria: Invitae Variant Classification Sherloc (09022015). Collection method: clinical testing. Allele origin: germline.

PreventionGenetics, part of Exact Sciences
Classification: Benign for FZD2-related condition. Last evaluated: 2025-10-18. Review status: criteria provided, single submitter. Criteria: ACMG Guidelines, 2015. Collection method: clinical testing. Allele origin: germline.
Comment: This variant is classified as benign based on ACMG/AMP sequence variant interpretation guidelines (Richards et al. 2015 PMID: 25741868, with internal and published modifications).

GeneDx
Classification: Benign. Last evaluated: 2021-05-05. Review status: criteria provided, single submitter. Criteria: GeneDx Variant Classification Process June 2021. Collection method: clinical testing. Allele origin: germline. Affected: yes.

Breakthrough Genomics
Classification: Benign. Review status: criteria provided, single submitter. Criteria: ACMG Guidelines, 2015. Collection method: not provided. Allele origin: germline. Inheritance: Autosomal dominant inheritance. Affected: yes.

NM_001466.4(FZD2):c.909C>T (p.Arg303=)

Gene: FZD2 (frizzled class receptor 2; plus strand). Cytogenetic location: 17q21.31.
Variant type: single nucleotide variant.
Coding change: c.909C>T on transcript NM_001466.4 (MANE Select); coding-DNA position 909, C replaced by T.
Protein change: p.Arg303=; no amino-acid change (arginine 303 retained).
Molecular consequence: synonymous variant.
Genome position (GRCh38, 1-based): chr17:44,558,597, C>T. VCF-style: chr17-44558597-C-T. GRCh37 (hg19) VCF-style: chr17-42635965-C-T.
Identifiers: ClinVar variation 784745 (VCV000784745.15), dbSNP rs7218045, ClinGen allele CA8604719.